The following is an entry in ClinVar:

ClinVar aggregate classification (germline): Benign. Review status: criteria provided, multiple submitters, no conflicts (2 of 4 stars). 2 submissions from 2 submitters: Benign (2). Last evaluated 2018-01-12.

Conditions:
Bardet-Biedl syndrome 10 (BBS10). Identifiers: Orphanet 110, MedGen C1859568, MONDO:0014438, OMIM 615987.

Allele frequency attached by ClinVar (database versions not stated): gnomAD 0.77456; TOPMed 0.78960; 1000 Genomes Project 30x 0.84400; 1000 Genomes Project 0.84405.

Submissions (2):

Illumina Laboratory Services, Illumina
Classification: Benign for Bardet-Biedl syndrome 10. Last evaluated: 2018-01-12. Review status: criteria provided, single submitter. Criteria: ICSL Variant Classification Criteria 13 December 2019. Collection method: clinical testing. Allele origin: germline.
Comment: This variant was observed in the ICSL laboratory as part of a predisposition screen in an ostensibly healthy population. It had not been previously curated by ICSL or reported in the Human Gene Mutation Database (HGMD: prior to June 1st, 2018), and was therefore a candidate for classification through an automated scoring system. Utilizing variant allele frequency, disease prevalence and penetrance estimates, and inheritance mode, an automated score was calculated to assess if this variant is too frequent to cause the disease. Based on the score and internal cut-off values, a variant classified as benign is not then subjected to further curation. The score for this variant resulted in a classification of benign for this disease.

Breakthrough Genomics
Classification: Benign. Review status: criteria provided, single submitter. Criteria: ACMG Guidelines, 2015. Collection method: not provided. Allele origin: germline. Inheritance: Autosomal recessive inheritance. Affected: yes.

NM_024685.4(BBS10):c.*1051C>T

Gene: BBS10 (Bardet-Biedl syndrome 10; minus strand). Cytogenetic location: 12q21.2.
Variant type: single nucleotide variant.
Coding change: c.*1051C>T on transcript NM_024685.4 (MANE Select); 1051 bases downstream of the stop codon, C replaced by T.
Molecular consequence: 3 prime UTR variant.
Genome position (GRCh38, 1-based): chr12:76,344,762, G>A on the plus strand (C>T on the coding strand, the complement: BBS10 is on the minus strand). VCF-style: chr12-76344762-G-A. GRCh37 (hg19) VCF-style: chr12-76738542-G-A.
Other names: c.*1051C>T (LRG_1255t1).
Identifiers: ClinVar variation 310474 (VCV000310474.6), dbSNP rs3087711, ClinGen allele CA10633580.